The following is an entry in ClinVar:

NM_001191061.2(SLC25A22):c.587+17A>G

Gene: SLC25A22 (solute carrier family 25 member 22; minus strand). Cytogenetic location: 11p15.5.
Variant type: single nucleotide variant.
Coding change: c.587+17A>G on transcript NM_001191061.2 (MANE Select); 17 bases into the intron after coding-DNA position 587, A replaced by G.
Molecular consequence: intron variant.
Genome position (GRCh38, 1-based): chr11:792,536, T>C on the plus strand (A>G on the coding strand, the complement: SLC25A22 is on the minus strand). VCF-style: chr11-792536-T-C. GRCh37 (hg19) VCF-style: chr11-792536-T-C.
Other names: c.587+17A>G (NM_001191060.2, NM_024698.6).
Identifiers: ClinVar variation 515723 (VCV000515723.1), dbSNP rs1554965494, ClinGen allele CA658797559.

ClinVar aggregate classification (germline): Likely benign (1 of 4 stars; one submission).

Allele frequency attached by ClinVar (database versions not stated): gnomAD exomes below 0.00001.

Submission:

GeneDx
Classification: Likely benign. Last evaluated: 2018-02-27. Review status: criteria provided, single submitter. Criteria: GeneDx Variant Classification (06012015). Collection method: clinical testing. Allele origin: germline. Affected: yes.
Comment: This variant is considered likely benign or benign based on one or more of the following criteria: it is a conservative change, it occurs at a poorly conserved position in the protein, it is predicted to be benign by multiple in silico algorithms, and/or has population frequency not consistent with disease.